The following is an entry in ClinVar:

NM_001267550.2(TTN):c.105991C>A (p.His35331Asn)

Genes: TTN-AS1 (TTN antisense RNA 1; plus strand), TTN (titin; minus strand). Cytogenetic location: 2q31.2.
Variant type: single nucleotide variant.
Coding change: c.105991C>A on transcript NM_001267550.2 (MANE Select); coding-DNA position 105991, C replaced by A.
Protein change: p.His35331Asn; replaces histidine 35331 with asparagine.
Molecular consequence: missense variant.
Genome position (GRCh38, 1-based): chr2:178,530,624, G>T on the plus strand (C>A on the coding strand, the complement: TTN is on the minus strand). VCF-style: chr2-178530624-G-T. GRCh37 (hg19) VCF-style: chr2-179395351-G-T.
Other names: c.101068C>A, p.His33690Asn (NM_001256850.1); c.78796C>A, p.His26266Asn (NM_003319.4); c.98287C>A, p.His32763Asn (NM_133378.4); c.79171C>A, p.His26391Asn (NM_133432.3); c.79372C>A, p.His26458Asn (NM_133437.4); short protein forms H26458N, H32763N, H26391N, H26266N, H33690N, H35331N.
Identifiers: ClinVar variation 2088033 (VCV002088033.4), dbSNP rs753993485, ClinGen allele CA1985182.

ClinVar aggregate classification (germline): Uncertain significance (1 of 4 stars; one submission).

Conditions:
Autosomal recessive limb-girdle muscular dystrophy type 2J (LGMDR10). Also called: Limb-girdle muscular dystrophy, type 2J; MUSCULAR DYSTROPHY, LIMB-GIRDLE, AUTOSOMAL RECESSIVE 10. Identifiers: Orphanet 140922, MedGen C1837342, MONDO:0012127, OMIM 608807.
Dilated cardiomyopathy 1G (CMD1G). Identifiers: Orphanet 154, MedGen C1858763, MONDO:0011400, OMIM 604145.

Allele frequency attached by ClinVar (database versions not stated): ExAC 0.00001.
gnomAD v4.1: 1 of 1,613,970 alleles (0.000062%); highest among the groups gnomAD compares: Admixed American, 0.0017%; no homozygotes.

Submission:

Labcorp Genetics (formerly Invitae), Labcorp
Classification: Uncertain significance for Dilated cardiomyopathy 1G; Autosomal recessive limb-girdle muscular dystrophy type 2J. Last evaluated: 2022-11-29. Review status: criteria provided, single submitter. Criteria: Invitae Variant Classification Sherloc (09022015). Collection method: clinical testing. Allele origin: germline.
Comment: In summary, the available evidence is currently insufficient to determine the role of this variant in disease. Therefore, it has been classified as a Variant of Uncertain Significance. This variant is located in the M band of TTN (PMID: 25589632). Variants in this region may be relevant for neuromuscular disorders, but have not been definitively shown to cause cardiomyopathy (PMID: 23975875). Experimental studies and prediction algorithms are not available or were not evaluated, and the functional significance of this variant is currently unknown. This variant has not been reported in the literature in individuals affected with TTN-related conditions. This variant is present in population databases (rs753993485, gnomAD 0.003%). This sequence change replaces histidine, which is basic and polar, with asparagine, which is neutral and polar, at codon 35331 of the TTN protein (p.His35331Asn).

Literature cited by the submitters: PubMed 25589632; PubMed 23975875.